The following is an entry in ClinVar:

ClinVar aggregate classification (germline): Uncertain significance (1 of 4 stars; one submission).

Conditions:
Episodic kinesigenic dyskinesia (EKD). Also called: Paroxysmal kinesigenic dyskinesia. Identifiers: Orphanet 98809, MedGen C1868682, MONDO:0044202.

Submission:

Labcorp Genetics (formerly Invitae), Labcorp
Classification: Uncertain significance for Episodic kinesigenic dyskinesia. Last evaluated: 2020-06-29. Review status: criteria provided, single submitter. Criteria: Invitae Variant Classification Sherloc (09022015). Collection method: clinical testing. Allele origin: germline.
Comment: This variant has not been reported in the literature in individuals with PRRT2-related conditions. Algorithms developed to predict the effect of missense changes on protein structure and function are either unavailable or do not agree on the potential impact of this missense change (SIFT: "Deleterious"; PolyPhen-2: "Benign"; Align-GVGD: "Class C0"). In summary, the available evidence is currently insufficient to determine the role of this variant in disease. Therefore, it has been classified as a Variant of Uncertain Significance. This variant is not present in population databases (ExAC no frequency). This sequence change replaces threonine with serine at codon 71 of the PRRT2 protein (p.Thr71Ser). The threonine residue is highly conserved and there is a small physicochemical difference between threonine and serine.

NM_145239.3(PRRT2):c.211A>T (p.Thr71Ser)

Genes: MVP-DT (MVP divergent transcript; minus strand), PRRT2 (proline rich transmembrane protein 2; plus strand). Cytogenetic location: 16p11.2.
Variant type: single nucleotide variant.
Coding change: c.211A>T on transcript NM_145239.3 (MANE Select); coding-DNA position 211, A replaced by T.
Protein change: p.Thr71Ser; replaces threonine 71 with serine.
Molecular consequence: missense variant.
Genome position (GRCh38, 1-based): chr16:29,813,265, A>T. VCF-style: chr16-29813265-A-T. GRCh37 (hg19) VCF-style: chr16-29824586-A-T.
Other names: c.211A>T, p.Thr71Ser (NM_001256442.2, NM_001256443.2); short protein forms T71S.
Identifiers: ClinVar variation 1044158 (VCV001044158.9), dbSNP rs1900069646, ClinGen allele CA395477703.